The following is an entry in ClinVar:

NM_000416.3(IFNGR1):c.20T>C (p.Leu7Pro)

Gene: IFNGR1 (interferon gamma receptor 1; minus strand). Cytogenetic location: 6q23.3.
Variant type: single nucleotide variant.
Coding change: c.20T>C on transcript NM_000416.3 (MANE Select); coding-DNA position 20, T replaced by C.
Protein change: p.Leu7Pro; replaces leucine 7 with proline.
Molecular consequence: missense variant.
Genome position (GRCh38, 1-based): chr6:137,219,308, A>G on the plus strand (T>C on the coding strand, the complement: IFNGR1 is on the minus strand). VCF-style: chr6-137219308-A-G. GRCh37 (hg19) VCF-style: chr6-137540445-A-G.
Other names: short protein forms L7P.
Identifiers: ClinVar variation 2968192 (VCV002968192.4), dbSNP rs2548247438, ClinGen allele CA365776514.
Genomic context (GRCh38, chr6:137,219,308, plus strand): 5'-GACGGCCCCAGATCCGCGGTGCCCATCTCAGCCCTGCTCACACCCTGCATGACAAGGGGT[A>G]GGAGAAAGAGGAGAGCCATGCTGCTACCGACGGTCGCTGGCTCCAACCCCGAGCGCCTGC-3'
Protein context (NP_000407.1, residues 1-17): MALLFL[Leu7Pro]PLVMQGVSRA

ClinVar aggregate classification (germline): Uncertain significance. Review status: criteria provided, multiple submitters, no conflicts (2 of 4 stars). 2 submissions from 2 submitters: Uncertain significance (2). Last evaluated 2023-12-07.

Conditions:
Disseminated atypical mycobacterial infection. Identifiers: MedGen C0694566.

Allele frequency attached by ClinVar (database versions not stated): gnomAD exomes 0.00001.
gnomAD v4.1: 14 of 1,609,358 alleles (0.00087%); highest among the groups gnomAD compares: Non-Finnish European, 0.0012%; no homozygotes.

Submissions (2):

GeneDx
Classification: Uncertain significance. Last evaluated: 2023-12-07. Review status: criteria provided, single submitter. Criteria: GeneDx Variant Classification Process June 2021. Collection method: clinical testing. Allele origin: germline. Affected: yes.
Comment: Not observed at significant frequency in large population cohorts (gnomAD); In silico analysis supports that this missense variant does not alter protein structure/function; Has not been previously published as pathogenic or benign to our knowledge

Labcorp Genetics (formerly Invitae), Labcorp
Classification: Uncertain significance for Disseminated atypical mycobacterial infection. Last evaluated: 2023-10-05. Review status: criteria provided, single submitter. Criteria: Invitae Variant Classification Sherloc (09022015). Collection method: clinical testing. Allele origin: germline.
Comment: This sequence change replaces leucine, which is neutral and non-polar, with proline, which is neutral and non-polar, at codon 7 of the IFNGR1 protein (p.Leu7Pro). This variant is not present in population databases (gnomAD no frequency). This variant has not been reported in the literature in individuals affected with IFNGR1-related conditions. An algorithm developed to predict the effect of missense changes on protein structure and function (PolyPhen-2) suggests that this variant is likely to be disruptive. In summary, the available evidence is currently insufficient to determine the role of this variant in disease. Therefore, it has been classified as a Variant of Uncertain Significance.